The following is an entry in ClinVar:

ClinVar aggregate classification (germline): Uncertain significance (1 of 4 stars; one submission).

gnomAD v4.1: 2 of 1,596,406 alleles (0.00013%); highest among the groups gnomAD compares: Non-Finnish European, 0.00017%; no homozygotes.

Submission:

Labcorp Genetics (formerly Invitae), Labcorp
Classification: Uncertain significance. Last evaluated: 2025-08-06. Review status: criteria provided, single submitter. Criteria: Invitae Variant Classification Sherloc (09022015). Collection method: clinical testing. Allele origin: germline.
Comment: This sequence change replaces serine, which is neutral and polar, with phenylalanine, which is neutral and non-polar, at codon 127 of the GUCY2C protein (p.Ser127Phe). This variant is not present in population databases (gnomAD no frequency). This variant has not been reported in the literature in individuals affected with GUCY2C-related conditions. Invitae Evidence Modeling of protein sequence and biophysical properties (such as structural, functional, and spatial information, amino acid conservation, physicochemical variation, residue mobility, and thermodynamic stability) indicates that this missense variant is not expected to disrupt GUCY2C protein function with a negative predictive value of 80%. In summary, the available evidence is currently insufficient to determine the role of this variant in disease. Therefore, it has been classified as a Variant of Uncertain Significance.

NM_004963.4(GUCY2C):c.380C>T (p.Ser127Phe)

Genes: GUCY2C (guanylate cyclase 2C; minus strand), GUCY2C-AS1 (GUCY2C antisense RNA 1; plus strand). Cytogenetic location: 12p12.3.
Variant type: single nucleotide variant.
Coding change: c.380C>T on transcript NM_004963.4 (MANE Select); coding-DNA position 380, C replaced by T.
Protein change: p.Ser127Phe; replaces serine 127 with phenylalanine.
Molecular consequence: missense variant.
Genome position (GRCh38, 1-based): chr12:14,686,176, G>A on the plus strand (C>T on the coding strand, the complement: GUCY2C is on the minus strand). VCF-style: chr12-14686176-G-A. GRCh37 (hg19) VCF-style: chr12-14839110-G-A.
Other names: short protein forms S127F.
Identifiers: ClinVar variation 4769128 (VCV004769128.1).